The following is an entry in ClinVar:

NM_001318789.2(TLR2):c.301del (p.Ser101fs)

Gene: TLR2 (toll like receptor 2; plus strand). Cytogenetic location: 4q31.3.
Variant type: Deletion.
Coding change: c.301del on transcript NM_001318789.2 (MANE Select); coding-DNA position 301, one base deleted (A; older notation c.301delA).
Protein change: p.Ser101fs; shifts the reading frame from serine 101.
Molecular consequence: frameshift variant.
Genome position (GRCh38, 1-based): chr4:153,703,208, A deleted. VCF-style (leftmost placement, unchanged base first): chr4-153703207-CA-C. GRCh37 (hg19) VCF-style: chr4-154624359-CA-C.
Other names: c.301del, p.Ser101fs (NM_001318787.2, NM_001318790.2, NM_001318791.2 and 4 more transcripts); short protein forms S101fs.
Identifiers: ClinVar variation 2431398 (VCV002431398.2), dbSNP rs2535415493, ClinGen allele CA2580071622.

ClinVar aggregate classification (germline): Uncertain significance (1 of 4 stars; one submission).

Conditions:
Colorectal cancer. Also called: Colorectal cancer, somatic; Malignant Colorectal Neoplasm. Identifiers: MedGen C0346629, MONDO:0005575, OMIM 114500.

Allele frequency attached by ClinVar (database versions not stated): gnomAD exomes below 0.00001.

Submission:

Laboratorio de Genetica e Diagnostico Molecular, Hospital Israelita Albert Einstein
Classification: Uncertain significance for Colorectal cancer. Last evaluated: 2022-09-28. Review status: criteria provided, single submitter. Criteria: ACMG Guidelines, 2015. Collection method: clinical testing. Allele origin: germline. Affected: yes.
Comment: ACMG classification criteria: PM2 moderated